The following is an entry in ClinVar:

NM_007214.5(SEC63):c.1438G>A (p.Ala480Thr)

Gene: SEC63 (SEC63 protein translocation regulator; minus strand). Cytogenetic location: 6q21.
Variant type: single nucleotide variant.
Coding change: c.1438G>A on transcript NM_007214.5 (MANE Select); coding-DNA position 1438, G replaced by A.
Protein change: p.Ala480Thr; replaces alanine 480 with threonine.
Molecular consequence: missense variant.
Genome position (GRCh38, 1-based): chr6:107,897,651, C>T on the plus strand (G>A on the coding strand, the complement: SEC63 is on the minus strand). VCF-style: chr6-107897651-C-T. GRCh37 (hg19) VCF-style: chr6-108218855-C-T.
Other names: short protein forms A480T.
Identifiers: ClinVar variation 4797948 (VCV004797948.1).

ClinVar aggregate classification (germline): Uncertain significance (1 of 4 stars; one submission).

gnomAD v4.1: 5 of 1,581,310 alleles (0.00032%); highest among the groups gnomAD compares: Non-Finnish European, 0.00043%; no homozygotes.

Submission:

Labcorp Genetics (formerly Invitae), Labcorp
Classification: Uncertain significance. Last evaluated: 2025-05-03. Review status: criteria provided, single submitter. Criteria: Invitae Variant Classification Sherloc (09022015). Collection method: clinical testing. Allele origin: germline.
Comment: This sequence change replaces alanine, which is neutral and non-polar, with threonine, which is neutral and polar, at codon 480 of the SEC63 protein (p.Ala480Thr). The frequency data for this variant in the population databases is considered unreliable, as metrics indicate poor data quality at this position in the gnomAD database. This variant has not been reported in the literature in individuals affected with SEC63-related conditions. An algorithm developed to predict the effect of missense changes on protein structure and function (PolyPhen-2) suggests that this variant is likely to be tolerated. In summary, the available evidence is currently insufficient to determine the role of this variant in disease. Therefore, it has been classified as a Variant of Uncertain Significance.